The following is an entry in ClinVar:

NM_015443.4(KANSL1):c.3091-3C>T

Gene: KANSL1 (KAT8 regulatory NSL complex subunit 1). Cytogenetic location: 17q21.31.
Variant type: single nucleotide variant.
Coding change: c.3091-3C>T on transcript NM_015443.4 (MANE Select); 3 bases into the intron before coding-DNA position 3091, C replaced by T.
Molecular consequence: intron variant.
Genome position (GRCh38, 1-based): chr17:46,031,706, G>A on the plus strand (C>T on the coding strand, the complement: KANSL1 is on the minus strand). VCF-style: chr17-46031706-G-A. GRCh37 (hg19) VCF-style: chr17-44109072-G-A.
Other names: c.3088-3C>T (NM_001193465.2); c.3091-3C>T (NM_001379198.1, NM_001193466.2).
Identifiers: ClinVar variation 536304 (VCV000536304.9), dbSNP rs374360315, ClinGen allele CA8618368.
Genomic context (GRCh38, chr17:46,031,706, plus strand): 5'-ACTCCGCCTGGGGACTGTGCGCCAGGGGGAAGGTCCGCCGCTCCCAGGGCTGGACAGACT[G>A]TAGGCAGACAAGTTGCTCTTTGAGGACCCAGTCCCAGCCAGCCTGCTTCCTGCTCCAAGG-3'

ClinVar aggregate classification (germline): Uncertain significance (1 of 4 stars; one submission).

Conditions:
Koolen-de Vries syndrome (KDVS). Identifiers: Orphanet 96169, MedGen C1864871, MONDO:0012496, OMIM 610443.

Allele frequency attached by ClinVar (database versions not stated): gnomAD 0.00003; gnomAD exomes 0.00005; TOPMed 0.00007.
gnomAD v4.1: 75 of 1,592,026 alleles (0.0047%); highest among the groups gnomAD compares: Non-Finnish European, 0.0064%; no homozygotes.

Submission:

Labcorp Genetics (formerly Invitae), Labcorp
Classification: Uncertain significance for Koolen-de Vries syndrome. Last evaluated: 2025-07-06. Review status: criteria provided, single submitter. Criteria: Invitae Variant Classification Sherloc (09022015). Collection method: clinical testing. Allele origin: germline.
Comment: This sequence change falls in intron 14 of the KANSL1 gene. It does not directly change the encoded amino acid sequence of the KANSL1 protein. It affects a nucleotide within the consensus splice site. This variant is present in population databases (rs374360315, gnomAD 0.004%). This variant has not been reported in the literature in individuals affected with KANSL1-related conditions. ClinVar contains an entry for this variant (Variation ID: 536304). Variants that disrupt the consensus splice site are a relatively common cause of aberrant splicing (PMID: 17576681, 9536098). Algorithms developed to predict the effect of sequence changes on RNA splicing suggest that this variant is not likely to affect RNA splicing. In summary, the available evidence is currently insufficient to determine the role of this variant in disease. Therefore, it has been classified as a Variant of Uncertain Significance.

Literature cited by the submitters: PubMed 17576681; PubMed 9536098.